The following is an entry in ClinVar:

NM_000136.3(FANCC):c.800A>G (p.Asn267Ser)

Genes: FANCC (FA complementation group C; minus strand), AOPEP (aminopeptidase O (putative); plus strand). Cytogenetic location: 9q22.32.
Variant type: single nucleotide variant.
Coding change: c.800A>G on transcript NM_000136.3 (MANE Select); coding-DNA position 800, A replaced by G.
Protein change: p.Asn267Ser; replaces asparagine 267 with serine.
Molecular consequence: missense variant.
Genome position (GRCh38, 1-based): chr9:95,135,389, T>C on the plus strand (A>G on the coding strand, the complement: FANCC is on the minus strand). VCF-style: chr9-95135389-T-C. GRCh37 (hg19) VCF-style: chr9-97897671-T-C.
Other names: p.N267S:AAT>AGT; c.800A>G, p.Asn267Ser (NM_001243743.2, NM_001243744.2); short protein forms N267S.
Identifiers: ClinVar variation 182478 (VCV000182478.20), dbSNP rs200854639, ClinGen allele CA299163.

ClinVar aggregate classification (germline): Uncertain significance. Review status: criteria provided, multiple submitters, no conflicts (2 of 4 stars). 6 submissions from 6 submitters: Uncertain significance (5). 1 of the submissions does not count toward it. Last evaluated 2025-12-05.

Conditions:
Hereditary cancer-predisposing syndrome. Also called: Tumor predisposition; Hereditary Cancer Syndrome; Hereditary neoplastic syndrome; Neoplastic Syndromes, Hereditary. Identifiers: Orphanet 140162, MedGen C0027672, MeSH D009386, MONDO:0015356.
Fanconi anemia (FA). Also called: Fanconi's anemia. Identifiers: Orphanet 84, MedGen C0015625, MeSH D005199, MONDO:0019391.
Fanconi anemia complementation group C (FANCC). Also called: FANCONI PANCYTOPENIA, TYPE 3; FACC; FANCC-Related Fanconi Anemia; Fanconi anemia, group C. Identifiers: Orphanet 84, MedGen C3468041, MONDO:0009213, OMIM 227645.

Allele frequency attached by ClinVar (database versions not stated): gnomAD exomes 0.00001 and 0.00003; ExAC 0.00002; TOPMed 0.00003; gnomAD 0.00005.
gnomAD v4.1: 49 of 1,613,932 alleles (0.003%); highest among the groups gnomAD compares: African/African-American, 0.0067%; no homozygotes.

Submissions (6):

Ambry Genetics
Classification: Uncertain significance for Hereditary cancer-predisposing syndrome. Last evaluated: 2025-12-05. Review status: criteria provided, single submitter. Criteria: Ambry Variant Classification Scheme 2023. Collection method: clinical testing. Allele origin: germline.
Comment: The p.N267S variant (also known as c.800A>G), located in coding exon 7 of the FANCC gene, results from an A to G substitution at nucleotide position 800. The asparagine at codon 267 is replaced by serine, an amino acid with highly similar properties. This amino acid position is not well conserved in available vertebrate species. In addition, this alteration is predicted to be tolerated by in silico analysis. Since supporting evidence is limited at this time, the clinical significance of this alteration remains unclear.

Labcorp Genetics (formerly Invitae), Labcorp
Classification: Uncertain significance for Fanconi anemia. Last evaluated: 2025-10-14. Review status: criteria provided, single submitter. Criteria: Invitae Variant Classification Sherloc (09022015). Collection method: clinical testing. Allele origin: germline.
Comment: This sequence change replaces asparagine, which is neutral and polar, with serine, which is neutral and polar, at codon 267 of the FANCC protein (p.Asn267Ser). This variant is present in population databases (rs200854639, gnomAD 0.004%). This variant has not been reported in the literature in individuals affected with FANCC-related conditions. ClinVar contains an entry for this variant (Variation ID: 182478). Invitae Evidence Modeling of protein sequence and biophysical properties (such as structural, functional, and spatial information, amino acid conservation, physicochemical variation, residue mobility, and thermodynamic stability) indicates that this missense variant is not expected to disrupt FANCC protein function with a negative predictive value of 80%. In summary, the available evidence is currently insufficient to determine the role of this variant in disease. Therefore, it has been classified as a Variant of Uncertain Significance.

GeneDx
Classification: Uncertain significance. Last evaluated: 2024-08-11. Review status: criteria provided, single submitter. Criteria: GeneDx Variant Classification Process June 2021. Collection method: clinical testing. Allele origin: germline. Affected: yes.
Comment: Not observed at significant frequency in large population cohorts (gnomAD); In silico analysis indicates that this missense variant does not alter protein structure/function; Has not been previously published as pathogenic or benign to our knowledge; This variant is associated with the following publications: (PMID: Gordon2000[Book], 33471991)

Quest Diagnostics Nichols Institute San Juan Capistrano
Classification: Uncertain significance. Last evaluated: 2023-05-17. Review status: criteria provided, single submitter. Criteria: Quest Diagnostics criteria. Collection method: clinical testing. Allele origin: unknown.
Comment: In a large-scale breast cancer association study, the variant was observed in breast cancer cases and in unaffected individuals (PMID: 33471991 (2021), see also LOVD). The frequency of this variant in the general population, 0.000059 (3/50804 chromosomes (Genome Aggregation Database)), is uninformative in the assessment of its pathogenicity. Analysis of this variant using bioinformatics tools for the prediction of the effect of amino acid changes on protein structure and function yielded predictions that this variant is benign. Based on the available information, we are unable to determine the clinical significance of this variant.

Fulgent Genetics
Classification: Uncertain significance for Fanconi anemia complementation group C. Last evaluated: 2021-10-28. Review status: criteria provided, single submitter. Criteria: ACMG Guidelines, 2015. Collection method: clinical testing. Allele origin: unknown.

Natera, Inc.
Classification: Uncertain significance for Fanconi anemia, group C. Last evaluated: 2020-09-16. Review status: no assertion criteria provided. Collection method: clinical testing. Allele origin: germline. Not counted in ClinVar's aggregate classification.

Literature cited by the submitters: PubMed 33471991 (cited by Quest Diagnostics Nichols Institute San Juan Capistrano).